The following is an entry in ClinVar:

NM_206965.2(FTCD):c.732G>A (p.Thr244=)

Gene: FTCD (formimidoyltransferase cyclodeaminase; minus strand). Cytogenetic location: 21q22.3.
Variant type: single nucleotide variant.
Coding change: c.732G>A on transcript NM_206965.2 (MANE Select); coding-DNA position 732, G replaced by A.
Protein change: p.Thr244=; no amino-acid change (threonine 244 retained).
Molecular consequence: synonymous variant.
Genome position (GRCh38, 1-based): chr21:46,150,430, C>T on the plus strand (G>A on the coding strand, the complement: FTCD is on the minus strand). VCF-style: chr21-46150430-C-T. GRCh37 (hg19) VCF-style: chr21-47570344-C-T.
Other names: c.732G>A, p.Thr244= (NM_001320412.2, NM_006657.3).
Identifiers: ClinVar variation 3042868 (VCV003042868.2), dbSNP rs201364918, ClinGen allele CA10073758.

ClinVar aggregate classification (germline): Likely benign (0 of 4 stars; one submission).

Conditions:
FTCD-related disorder. Also called: FTCD-related condition.

Allele frequency attached by ClinVar (database versions not stated): TOPMed 0.00001; ExAC 0.00002; gnomAD 0.00003; 1000 Genomes Project 30x 0.00016; 1000 Genomes Project 0.00020.
gnomAD v4.1: 21 of 1,613,128 alleles (0.0013%); highest among the groups gnomAD compares: South Asian, 0.014%; no homozygotes.

Submission:

PreventionGenetics, part of Exact Sciences
Classification: Likely benign for FTCD-related condition. Last evaluated: 2019-06-27. Review status: no assertion criteria provided. Collection method: clinical testing. Allele origin: germline.
Comment: This variant is classified as likely benign based on ACMG/AMP sequence variant interpretation guidelines (Richards et al. 2015 PMID: 25741868, with internal and published modifications).